The following is an entry in ClinVar:

NM_004656.4(BAP1):c.366C>T (p.Phe122=)

Gene: BAP1 (BRCA1 associated deubiquitinase 1; minus strand). Cytogenetic location: 3p21.1.
Variant type: single nucleotide variant.
Coding change: c.366C>T on transcript NM_004656.4 (MANE Select); coding-DNA position 366, C replaced by T.
Protein change: p.Phe122=; no amino-acid change (phenylalanine 122 retained).
Molecular consequence: synonymous variant.
Genome position (GRCh38, 1-based): chr3:52,407,967, G>A on the plus strand (C>T on the coding strand, the complement: BAP1 is on the minus strand). VCF-style: chr3-52407967-G-A. GRCh37 (hg19) VCF-style: chr3-52441983-G-A.
Identifiers: ClinVar variation 1088855 (VCV001088855.10), dbSNP rs17849500, ClinGen allele CA74744041.
Genomic context (GRCh38, chr3:52,407,967, plus strand): 5'-GTCAGATCTGCCCAGTTGGCTGTGAGCCAGGATGAAGGCACTGCAGCCTACCTCAGGGCT[G>A]AAACCCTTGGTGAAGTCCTTCATGCGACTCAGGGTGGGTCCCAGGTCCACGCTGCTGCAG-3'
Protein context (NP_004647.1, residues 112-132): LSRMKDFTKG[Phe122=]SPESKGYAIG

ClinVar aggregate classification (germline): Benign/Likely benign. Review status: criteria provided, multiple submitters, no conflicts (2 of 4 stars). 3 submissions from 3 submitters: Benign (1); Likely benign (2). Last evaluated 2025-06-25.

Conditions:
Hereditary cancer-predisposing syndrome. Also called: Hereditary Cancer Syndrome; Neoplastic Syndromes, Hereditary; Hereditary neoplastic syndrome; Tumor predisposition. Identifiers: Orphanet 140162, MedGen C0027672, MeSH D009386, MONDO:0015356.
BAP1-related tumor predisposition syndrome (TPDS1). Also called: COMMON Syndrome; TUMOR PREDISPOSITION SYNDROME 1; BAP1 tumor predisposition syndrome; Tumor susceptibility linked to germline BAP1 mutations. Identifiers: Orphanet 289539, MedGen C3280492, MONDO:0013692, OMIM 614327.

Allele frequency attached by ClinVar (database versions not stated): gnomAD exomes below 0.00001.
gnomAD v4.1: 1 of 1,613,854 alleles (0.000062%); highest among the groups gnomAD compares: Non-Finnish European, 0.000085%; no homozygotes.

Submissions (3):

Labcorp Genetics (formerly Invitae), Labcorp
Classification: Likely benign for BAP1-related tumor predisposition syndrome. Last evaluated: 2025-06-25. Review status: criteria provided, single submitter. Criteria: Invitae Variant Classification Sherloc (09022015). Collection method: clinical testing. Allele origin: germline.

Myriad Genetics, Inc.
Classification: Benign for BAP1-related tumor predisposition syndrome. Last evaluated: 2024-07-12. Review status: criteria provided, single submitter. Criteria: Myriad Autosomal Dominant, Autosomal Recessive and X-Linked Classification Criteria (2023). Collection method: clinical testing. Allele origin: unknown.
Comment: This variant is considered benign. This variant is a silent/synonymous amino acid change and it is not expected to impact splicing.

Ambry Genetics
Classification: Likely benign for Hereditary cancer-predisposing syndrome. Last evaluated: 2022-08-23. Review status: criteria provided, single submitter. Criteria: Ambry Variant Classification Scheme 2023. Collection method: clinical testing. Allele origin: germline.